The following is an entry in ClinVar:

ClinVar aggregate classification (germline): Uncertain significance (1 of 4 stars; one submission).

Allele frequency attached by ClinVar (database versions not stated): gnomAD exomes below 0.00001; gnomAD 0.00002; TOPMed 0.00002.
gnomAD v4.1: 5 of 1,614,112 alleles (0.00031%); highest among the groups gnomAD compares: Admixed American, 0.0083%; no homozygotes.

Submission:

Ambry Genetics
Classification: Uncertain significance. Last evaluated: 2024-04-20. Review status: criteria provided, single submitter. Criteria: Ambry Variant Classification Scheme 2023. Collection method: clinical testing. Allele origin: germline.
Comment: The p.M290V variant (also known as c.868A>G), located in coding exon 6 of the IDH1 gene, results from an A to G substitution at nucleotide position 868. The methionine at codon 290 is replaced by valine, an amino acid with highly similar properties. This amino acid position is conserved. In addition, this alteration is predicted to be deleterious by in silico analysis. Since supporting evidence is limited at this time, the clinical significance of this alteration remains unclear.

NM_005896.4(IDH1):c.868A>G (p.Met290Val)

Gene: IDH1 (isocitrate dehydrogenase (NADP(+)) 1; minus strand). Cytogenetic location: 2q34.
Variant type: single nucleotide variant.
Coding change: c.868A>G on transcript NM_005896.4 (MANE Select); coding-DNA position 868, A replaced by G.
Protein change: p.Met290Val; replaces methionine 290 with valine.
Molecular consequence: missense variant.
Genome position (GRCh38, 1-based): chr2:208,239,986, T>C on the plus strand (A>G on the coding strand, the complement: IDH1 is on the minus strand). VCF-style: chr2-208239986-T-C. GRCh37 (hg19) VCF-style: chr2-209104710-T-C.
Other names: c.868A>G, p.Met290Val (NM_001282386.1, NM_001282387.1); short protein forms M290V.
Identifiers: ClinVar variation 1764306 (VCV001764306.3), dbSNP rs1032066742, ClinGen allele CA64582628.
Genomic context (GRCh38, chr2:208,239,986, plus strand): 5'-CGTGGGCAGCCTCTGCTTCTACTGTCTTGCCATCTGGACAAACCAGCACGCTGGTCATCA[T>C]GCCGAGAGAGCCATACCCTGTAAGTAGTGGAGCATGAAGCGTTGGGTCCAACTGCATGAA-3'
Protein context (NP_005887.2, residues 280-300): SVAQGYGSLG[Met290Val]MTSVLVCPDG